The following is an entry in ClinVar:

ClinVar aggregate classification (germline): Uncertain significance. Review status: criteria provided, multiple submitters, no conflicts (2 of 4 stars). 4 submissions from 4 submitters: Uncertain significance (4). Last evaluated 2024-09-10.

Conditions:
Inborn genetic diseases. Identifiers: MedGen C0950123, MeSH D030342.

Allele frequency attached by ClinVar (database versions not stated): 1000 Genomes Project 30x 0.00016; 1000 Genomes Project 0.00020; ESP Exome Variant Server 0.00015.

Submissions (4):

GeneDx
Classification: Uncertain significance. Last evaluated: 2024-09-10. Review status: criteria provided, single submitter. Criteria: GeneDx Variant Classification Process June 2021. Collection method: clinical testing. Allele origin: germline. Affected: yes.
Comment: In silico analysis indicates that this missense variant does not alter protein structure/function; Has not been previously published as pathogenic or benign to our knowledge

Ambry Genetics
Classification: Uncertain significance for Inborn genetic diseases. Last evaluated: 2024-03-28. Review status: criteria provided, single submitter. Criteria: Ambry Variant Classification Scheme 2023. Collection method: clinical testing. Allele origin: germline.

Mayo Clinic Laboratories, Mayo Clinic
Classification: Uncertain significance. Last evaluated: 2023-06-09. Review status: criteria provided, single submitter. Criteria: ACMG Guidelines, 2015. Collection method: clinical testing. Allele origin: germline. Observed: 1 variant allele.
Comment: BP4, PM2_moderate

Labcorp Genetics (formerly Invitae), Labcorp
Classification: Uncertain significance. Last evaluated: 2022-09-13. Review status: criteria provided, single submitter. Criteria: Invitae Variant Classification Sherloc (09022015). Collection method: clinical testing. Allele origin: germline.
Comment: This sequence change replaces glycine, which is neutral and non-polar, with serine, which is neutral and polar, at codon 263 of the SLC25A1 protein (p.Gly263Ser). This variant is present in population databases (rs201765451, gnomAD 0.03%). This variant has not been reported in the literature in individuals affected with SLC25A1-related conditions. ClinVar contains an entry for this variant (Variation ID: 1462936). Advanced modeling of protein sequence and biophysical properties (such as structural, functional, and spatial information, amino acid conservation, physicochemical variation, residue mobility, and thermodynamic stability) performed at Invitae indicates that this missense variant is not expected to disrupt SLC25A1 protein function. In summary, the available evidence is currently insufficient to determine the role of this variant in disease. Therefore, it has been classified as a Variant of Uncertain Significance.

NM_005984.5(SLC25A1):c.787G>A (p.Gly263Ser)

Gene: SLC25A1 (solute carrier family 25 member 1; minus strand). Cytogenetic location: 22q11.21.
Variant type: single nucleotide variant.
Coding change: c.787G>A on transcript NM_005984.5 (MANE Select); coding-DNA position 787, G replaced by A.
Protein change: p.Gly263Ser; replaces glycine 263 with serine.
Molecular consequence: missense variant. On other transcripts: non-coding transcript variant (1).
Genome position (GRCh38, 1-based): chr22:19,176,455, C>T on the plus strand (G>A on the coding strand, the complement: SLC25A1 is on the minus strand). VCF-style: chr22-19176455-C-T. GRCh37 (hg19) VCF-style: chr22-19163968-C-T.
Other names: p.Gly263Ser; c.808G>A, p.Gly270Ser (NM_001256534.2); c.478G>A, p.Gly160Ser (NM_001287387.2); c.787G>A (NM_005984.2, NM_005984.3); short protein forms G160S, G263S, G270S.
Identifiers: ClinVar variation 1462936 (VCV001462936.8), dbSNP rs201765451, ClinGen allele CA10097287.
Genomic context (GRCh38, chr22:19,176,455, plus strand): 5'-AATAGCCCTGCCCCTCCCCCACTCACGCCTTGAGCCCCTCCTTCTTCAGGATCTGCAAGC[C>T]GCAGTCCCACGTGTTCCGGTATTTGTGCGCCTCCAGGCCCTATGGGGGACATCAGCAGGC-3'
Protein context (NP_005975.1, residues 253-273): AHKYRNTWDC[Gly263Ser]LQILKKEGLK